The following is an entry in ClinVar:

ClinVar aggregate classification (germline): Pathogenic (1 of 4 stars; one submission).

Conditions:
Inborn genetic diseases. Identifiers: MedGen C0950123, MeSH D030342.

Submission:

Ambry Genetics
Classification: Pathogenic for Inborn genetic diseases. Last evaluated: 2026-01-08. Review status: criteria provided, single submitter. Criteria: Ambry Variant Classification Scheme 2023. Collection method: clinical testing. Allele origin: germline.
Comment: The c.6118G>T (p.G2040*) alteration, located in exon 9 (coding exon 7) of the ANKRD11 gene, consists of a G to T substitution at nucleotide position 6118. This changes the amino acid from a glycine (G) to a stop codon at amino acid position 2040. This alteration is expected to result in loss of function by premature protein truncation or nonsense-mediated mRNA decay. This variant was not reported in population-based cohorts in the Genome Aggregation Database (gnomAD). Based on the available evidence, this alteration is classified as pathogenic.

NM_013275.6(ANKRD11):c.6118G>T (p.Gly2040Ter)

Gene: ANKRD11 (ankyrin repeat domain 11; minus strand). Cytogenetic location: 16q24.3.
Variant type: single nucleotide variant.
Coding change: c.6118G>T on transcript NM_013275.6 (MANE Select); coding-DNA position 6118, G replaced by T.
Protein change: p.Gly2040Ter; replaces glycine 2040 with a stop codon.
Molecular consequence: nonsense.
Genome position (GRCh38, 1-based): chr16:89,280,424, C>A on the plus strand (G>T on the coding strand, the complement: ANKRD11 is on the minus strand). VCF-style: chr16-89280424-C-A. GRCh37 (hg19) VCF-style: chr16-89346832-C-A.
Other names: c.6118G>T, p.Gly2040Ter (NM_001256182.2, NM_001256183.2); short protein forms G2040*.
Identifiers: ClinVar variation 4833042 (VCV004833042.1).
Genomic context (GRCh38, chr16:89,280,424, plus strand): 5'-AGGGAGGGGCGTAGGGAGCCGCCTCTGAGGTGGAGATGGCGGCGGGGACGGCGTCCACTC[C>A]GTCCTTGACGTCCTCCAGCCCCGGCTCAGCGACGGGCAGAGCGTACGGGGCAGGAGAGGC-3'